The following is an entry in ClinVar:

ClinVar aggregate classification (germline): Conflicting classifications of pathogenicity. Review status: criteria provided, conflicting classifications (1 of 4 stars). 2 submissions from 2 submitters: Uncertain significance (1); Benign (1). Last evaluated 2026-01-04.

Conditions:
Cardiovascular phenotype. Identifiers: MedGen CN230736.
Arrhythmogenic right ventricular dysplasia 12. Also called: ARRHYTHMOGENIC RIGHT VENTRICULAR DYSPLASIA, FAMILIAL, 12. Identifiers: MedGen C1969081, MONDO:0012684, OMIM 611528.
Naxos disease (NXD). Also called: CARDIOMYOPATHY, ARRHYTHMOGENIC RIGHT VENTRICULAR, WITH SKIN, HAIR, AND NAIL ABNORMALITIES; WOOLLY HAIR, PALMOPLANTAR KERATODERMA, AND CARDIAC ABNORMALITIES; KERATOSIS PALMOPLANTARIS WITH ARRHYTHMOGENIC CARDIOMYOPATHY; MAL DE NAXOS; PALMOPLANTAR KERATODERMA WITH ARRHYTHMOGENIC RIGHT VENTRICULAR CARDIOMYOPATHY AND WOOLLY HAIR. Identifiers: Orphanet 34217, MedGen C1832600, MONDO:0011017, OMIM 601214.

Allele frequency attached by ClinVar (database versions not stated): gnomAD 0.00002; TOPMed 0.00003; gnomAD exomes 0.00004 and 0.00007; ExAC 0.00006.
gnomAD v4.1: 59 of 1,613,002 alleles (0.0037%); highest among the groups gnomAD compares: Admixed American, 0.023%; no homozygotes.

Submissions (2):

Labcorp Genetics (formerly Invitae), Labcorp
Classification: Uncertain significance for Arrhythmogenic right ventricular dysplasia 12; Naxos disease. Last evaluated: 2026-01-04. Review status: criteria provided, single submitter. Criteria: Invitae Variant Classification Sherloc (09022015). Collection method: clinical testing. Allele origin: germline.
Comment: This sequence change replaces alanine, which is neutral and non-polar, with valine, which is neutral and non-polar, at codon 617 of the JUP protein (p.Ala617Val). This variant is present in population databases (rs782465804, gnomAD 0.04%). This variant has not been reported in the literature in individuals affected with JUP-related conditions. ClinVar contains an entry for this variant (Variation ID: 646605). An algorithm developed to predict the effect of missense changes on protein structure and function (PolyPhen-2) suggests that this variant is likely to be tolerated. In summary, the available evidence is currently insufficient to determine the role of this variant in disease. Therefore, it has been classified as a Variant of Uncertain Significance.

Ambry Genetics
Classification: Benign for Cardiovascular phenotype. Last evaluated: 2023-10-21. Review status: criteria provided, single submitter. Criteria: Ambry Variant Classification Scheme 2023. Collection method: clinical testing. Allele origin: germline.

NM_002230.4(JUP):c.1850C>T (p.Ala617Val)

Gene: JUP (junction plakoglobin; minus strand). Cytogenetic location: 17q21.2.
Variant type: single nucleotide variant.
Coding change: c.1850C>T on transcript NM_002230.4 (MANE Select); coding-DNA position 1850, C replaced by T.
Protein change: p.Ala617Val; replaces alanine 617 with valine.
Molecular consequence: missense variant.
Genome position (GRCh38, 1-based): chr17:41,757,708, G>A on the plus strand (C>T on the coding strand, the complement: JUP is on the minus strand). VCF-style: chr17-41757708-G-A. GRCh37 (hg19) VCF-style: chr17-39913960-G-A.
Other names: c.1850C>T, p.Ala617Val (NM_001352773.2, NM_001352774.2, NM_001352775.2 and 3 more transcripts); short protein forms A617V.
Identifiers: ClinVar variation 646605 (VCV000646605.60), dbSNP rs782465804, ClinGen allele CA8565100.